The following is an entry in ClinVar:

NM_000091.5(COL4A3):c.4523A>G (p.Asn1508Ser)

Genes: MFF-DT (MFF divergent transcript; minus strand), COL4A3 (collagen type IV alpha 3 chain; plus strand). Cytogenetic location: 2q36.3.
Variant type: single nucleotide variant.
Coding change: c.4523A>G on transcript NM_000091.5 (MANE Select); coding-DNA position 4523, A replaced by G.
Protein change: p.Asn1508Ser; replaces asparagine 1508 with serine.
Molecular consequence: missense variant.
Genome position (GRCh38, 1-based): chr2:227,308,959, A>G. VCF-style: chr2-227308959-A-G. GRCh37 (hg19) VCF-style: chr2-228173675-A-G.
Other names: short protein forms N1508S.
Identifiers: ClinVar variation 334786 (VCV000334786.32), dbSNP rs200512461, ClinGen allele CA2147571.

ClinVar aggregate classification (germline): Conflicting classifications of pathogenicity. Review status: criteria provided, conflicting classifications (1 of 4 stars). 15 submissions from 15 submitters: Uncertain significance (11); Likely benign (1). 3 of the submissions do not count toward it. Last evaluated 2026-08-03.

Conditions:
Hematuria, benign familial, 2 (BFH2). Identifiers: MedGen C5830421, MONDO:0958186, OMIM 620320.
Alport syndrome 3b, autosomal recessive. Identifiers: MedGen C5882699, MONDO:0957811, OMIM 620536.
Autosomal dominant Alport syndrome (ATS3A). Also called: ALPORT SYNDROME 3A, AUTOSOMAL DOMINANT; Alport syndrome dominant type; Renal failure and sensorineural hearing loss. Identifiers: Orphanet 63, Orphanet 88918, MedGen C5882663, MONDO:0007086, OMIM 104200.
Alport syndrome. Also called: Hemorrhagic familial nephritis; Hemorrhagic hereditary nephritis; Congenital hereditary hematuria. Identifiers: Orphanet 63, MedGen C1567741, MONDO:0018965.
COL4A3-related disorder. Also called: COL4A3-related condition; COL4A3-Related Disorders.
Autosomal recessive Alport syndrome (ATS2). Also called: COL4A3-Related Nephropathy; ALPORT SYNDROME 2, AUTOSOMAL RECESSIVE; Alport syndrome type 2; COL4A4 Alport Syndrome and Thin Basement Membrane Nephropathy. Identifiers: Orphanet 63, Orphanet 88919, MedGen C4746745, MONDO:0008762, OMIM 203780.

Allele frequency attached by ClinVar (database versions not stated): ExAC 0.00022; gnomAD 0.00022; gnomAD exomes 0.00022 and 0.00039; TOPMed 0.00027; ESP Exome Variant Server 0.00058.
gnomAD v4.1: 601 of 1,614,068 alleles (0.037%); highest among the groups gnomAD compares: Non-Finnish European, 0.048%; no homozygotes.

Submissions (15):

PreventionGenetics, part of Exact Sciences
Classification: Uncertain significance for COL4A3-related condition. Last evaluated: 2026-08-03. Review status: criteria provided, single submitter. Criteria: ACMG Guidelines, 2015. Collection method: clinical testing. Allele origin: germline.
Comment: The COL4A3 c.4523A>G variant is predicted to result in the amino acid substitution p.Asn1508Ser. This variant in the heterozygous condition was reported in one individual with Alport syndrome, who also carried a missense variant in COL4A4 gene, where only the COL4A4 variant segregated with the disease in the family (Table 1 and Figure 1D, Fallerini et al 2017. PubMed ID: 27859054). This variant was also observed in an individual with hematuria, who also carried a pathogenic COL4A3 variant (Table 1, Beltcheva et al. 2024. PubMed ID: 38547852) and in an individual with keratoconus, who also carried additional variants (Table 3, González-Atienza et al. 2023. PubMed ID: 37895187) and was classified as a variant of uncertain significance in both studies. This variant was also classified as uncertain in a cohort study of hereditary tubulointerstitial kidney diseases (Supplementary Tables, Popp et al. 2022. PubMed ID: 36100708). This variant is reported in 0.042% of alleles in individuals of European (Non-Finnish) descent in gnomAD. At this time, the clinical significance of this variant is uncertain due to the absence of conclusive functional and genetic evidence.

Labcorp Genetics (formerly Invitae), Labcorp
Classification: Likely benign. Last evaluated: 2026-01-20. Review status: criteria provided, single submitter. Criteria: Invitae Variant Classification Sherloc (09022015). Collection method: clinical testing. Allele origin: germline.

Dasa
Classification: Uncertain significance. Last evaluated: 2025-07-30. Review status: criteria provided, single submitter. Criteria: DASA Assertion Criteria. Collection method: clinical testing. Allele origin: germline.
Comment: NM_000091.5(COL4A3):c.4523A>G (p.Asn1508Ser) is a missense variant that results in the substitution of asparagine with serine. This variant has been observed in affected individuals with COL4A3-related disorders. Also, this variant is rare in population databases. The currently available literature and clinical evidence are not sufficient to establish a definitive association between this variant and the reported condition. Therefore, this variant is classified as a variant of uncertain significance.

Women's Health and Genetics/Laboratory Corporation of America, LabCorp
Classification: Uncertain significance. Last evaluated: 2025-03-03. Review status: criteria provided, single submitter. Criteria: LabCorp Variant Classification Summary - May 2015. Collection method: clinical testing. Allele origin: germline.
Comment: Variant summary: COL4A3 c.4523A>G (p.Asn1508Ser) results in a conservative amino acid change in the encoded protein sequence. Three of five in-silico tools predict a damaging effect of the variant on protein function. The variant allele was found at a frequency of 0.00022 in 249438 control chromosomes. This frequency is not significantly higher than estimated for a pathogenic variant in COL4A3 causing Autosomal Recessive Alport Syndrome (0.00022 vs 0.0014), allowing no conclusion about variant significance. c.4523A>G has been reported in the literature in individuals affected with Alport Syndrome and an individual with an unspecified diagnosis in a chronic kidney disease cohort (e.g. Fallerini_2017, Popp_2022, Savige_2022, Beltcheva_2024). However, in two cases the variant did not segregate with disease in the affected families (Fallerini_2017, Beltcheva_2024). These reports do not provide unequivocal conclusions about association of the variant with Alport Syndrome. To our knowledge, no experimental evidence demonstrating an impact on protein function has been reported. The following publications have been ascertained in the context of this evaluation (PMID: 38547852, 27859054, 36100708, 35675912). ClinVar contains an entry for this variant (Variation ID: 334786). Based on the evidence outlined above, the variant was classified as uncertain significance.

Blueprint Genetics
Classification: Uncertain significance. Last evaluated: 2024-10-02. Review status: criteria provided, single submitter. Criteria: ACMG Guidelines, 2015. Collection method: clinical testing. Allele origin: germline.

Fulgent Genetics
Classification: Uncertain significance for Autosomal dominant Alport syndrome; Hematuria, benign familial, 2; Alport syndrome 3b, autosomal recessive. Last evaluated: 2024-06-19. Review status: criteria provided, single submitter. Criteria: ACMG Guidelines, 2015. Collection method: clinical testing. Allele origin: germline.

GeneDx
Classification: Uncertain significance. Last evaluated: 2024-06-12. Review status: criteria provided, single submitter. Criteria: GeneDx Variant Classification Process June 2021. Collection method: clinical testing. Allele origin: germline. Affected: yes.
Comment: Observed with a COL4A4 variant in a patient with Alport syndrome in the published literature, however, the COL4A3 variant did not segregate with the disorder in a second affected individual in the family (PMID: 27859054); In silico analysis supports that this missense variant has a deleterious effect on protein structure/function; This variant is associated with the following publications: (PMID: 34426522, 35675912, 27859054, 36100708)

Athena Diagnostics
Classification: Uncertain significance. Last evaluated: 2022-03-01. Review status: criteria provided, single submitter. Criteria: Athena Diagnostics Criteria. Collection method: clinical testing. Allele origin: unknown.

Victorian Clinical Genetics Services, Murdoch Childrens Research Institute
Classification: Uncertain significance for Alport syndrome. Last evaluated: 2020-05-25. Review status: criteria provided, single submitter. Criteria: ACMG Guidelines, 2015. Collection method: clinical testing. Allele origin: germline. Affected: yes.
Comment: Based on the classification scheme VCGS_Germline_v1.1.1, this variant is classified as VOUS – 3C. Following criteria are met: 0102 - Loss-of-function is a known mechanism of disease for this gene. (N) 0108 - This gene is known to be associated with both recessive and dominant disease, though the mechanism for each inheritance mode is not known (OMIM).(N) 0200 - Variant is predicted to result in a missense amino acid change from asparagine to serine (exon 4). (N) 0251 - Variant is heterozygous. (N) 0304 - Variant is present in gnomAD 0.01 for a recessive condition (62 heterozygotes, 0 homozygotes). (P) 0503 - Missense variant consistently predicted to be tolerated or not conserved in mammals with a minor amino acid change. (B) 0600 - Variant is located in an annotated domain or motif, the C4 domain (PDB, NCBI). (N) 0705 - No comparable variants have previous evidence for pathogenicity. (N) 0804 - Variant has previously been described as variant of uncertain significance in a single family with end stage renal failure. However disease in this family also segregated with a COL4A4 variant (ClinVar, PMID: 27859054). (P) 0905 - No segregation evidence has been identified for this variant. (N) 1007 - No published functional evidence has been identified for this variant. (N) 1208 - Inheritance information for this variant is not currently available. (N) Legend: (P) - Pathogenic, (N) - Neutral, (B) - Benign

Knight Diagnostic Laboratories, Oregon Health and Sciences University
Classification: Uncertain significance for Alport syndrome. Last evaluated: 2019-11-14. Review status: criteria provided, single submitter. Criteria: ACMG Guidelines, 2015. Collection method: clinical testing. Allele origin: germline. Observed: 1 variant allele.

Laboratory for Molecular Medicine, Mass General Brigham Personalized Medicine
Classification: Uncertain significance. Last evaluated: 2018-05-21. Review status: criteria provided, single submitter. Criteria: LMM Criteria. Collection method: clinical testing. Allele origin: germline. Observed: 2 variant alleles.
Comment: The p.Asn1508Ser variant in COL4A 3 did not segregate in a sibling with hematuria and proteinuria, while the COL4 A4 variant was detected in that sibling (Fallerini 2017). This variant has also been identified in (52/126600) of European chromosomes by the Genome Aggregation Database (gnomAD; dbSNP rs200512461). Althoug h this variant has been seen in the general population, its frequency is not hig h enough to rule out a pathogenic role. Computational prediction tools and conse rvation analysis do not provide strong support for or against an impact to the p rotein. In summary, the clinical significance of the p.Asn1508Ser variant is unc ertain. ACMG/AMP Criteria Applied: PM2_Supporting, BS4_Supporting.

Illumina Laboratory Services, Illumina
Classification: Uncertain significance for Alport syndrome. Last evaluated: 2018-01-13. Review status: criteria provided, single submitter. Criteria: ICSL Variant Classification Criteria 13 December 2019. Collection method: clinical testing. Allele origin: germline.

Genetic Services Laboratory, University of Chicago
Classification: Uncertain significance. Last evaluated: 2022-09-14. Review status: no assertion criteria provided. Collection method: clinical testing. Allele origin: germline. Affected: no. Not counted in ClinVar's aggregate classification.
Comment: DNA sequence analysis of the COL4A3 gene demonstrated a sequence change, c.4523A>G, in exon 49 that results in an amino acid change, p.Asn1508Ser. This sequence change has been described in the gnomAD database with a frequency of 0.042% in the non-Finnish European subpopulation (dbSNP rs200512461). The p.Asn1508Ser change affects a highly conserved amino acid residue located in a domain of the COL4A3 protein that is known to be functional. In-silico pathogenicity prediction tools (SIFT, PolyPhen2, Align GVGD, REVEL) provide contradictory results for the p.Asn1508Ser substitution. This sequence change has previously described in an individual with tubulointerstitial kidney disease and in two individuals with a clinical diagnosis of Alport syndrome who also had variants in other Alport syndrome-related collagen genes (PMID: 36100708, 35675912, 27859054). Due to insufficient evidences and the lack of functional studies, the clinical significance of the p.Asn1508Ser change remains unknown at this time.

Natera, Inc.
Classification: Uncertain significance for Autosomal dominant Alport syndrome. Last evaluated: 2020-06-11. Review status: no assertion criteria provided. Collection method: clinical testing. Allele origin: germline. Not counted in ClinVar's aggregate classification.

Counsyl
Classification: Uncertain significance for Autosomal recessive Alport syndrome. Last evaluated: 2018-03-09. Review status: no assertion criteria provided. Collection method: clinical testing. Allele origin: unknown. Not counted in ClinVar's aggregate classification.

Literature cited by the submitters: PubMed 27859054 (cited by 5 submitters); PubMed 36100708 (cited by Women's Health and Genetics/Laboratory Corporation of America, LabCorp); PubMed 35675912 (cited by Women's Health and Genetics/Laboratory Corporation of America, LabCorp); PubMed 38547852 (cited by Women's Health and Genetics/Laboratory Corporation of America, LabCorp); PubMed 34426522 (cited by Athena Diagnostics).